The following is an entry in ClinVar:

NM_001375524.1(TRRAP):c.2458C>A (p.Leu820Ile)

Gene: TRRAP (transformation/transcription domain associated protein; plus strand). Cytogenetic location: 7q22.1.
Variant type: single nucleotide variant.
Coding change: c.2458C>A on transcript NM_001375524.1 (MANE Select); coding-DNA position 2458, C replaced by A.
Protein change: p.Leu820Ile; replaces leucine 820 with isoleucine.
Molecular consequence: missense variant.
Genome position (GRCh38, 1-based): chr7:98,917,515, C>A. VCF-style: chr7-98917515-C-A. GRCh37 (hg19) VCF-style: chr7-98515138-C-A.
Other names: c.2458C>A, p.Leu820Ile (NM_001244580.2, NM_003496.4); short protein forms L820I.
Identifiers: ClinVar variation 2444178 (VCV002444178.1), dbSNP rs2484734858, ClinGen allele CA368291646.
Genomic context (GRCh38, chr7:98,917,515, plus strand): 5'-CAGCACATGAAGGACCTCTTTGTGGAGCTGTGTCTCACCGTCCCTGTGCGGCTGAGCTCG[C>A]TTTTGCCGTACCTGCCCATGCTTATGGATCCCTTGGTGTCTGCACTCAATGGGTCTCAGA-3'
Protein context (NP_001362453.1, residues 810-830): CLTVPVRLSS[Leu820Ile]LPYLPMLMDP

ClinVar aggregate classification (germline): Uncertain significance (1 of 4 stars; one submission).

Conditions:
Developmental delay with or without dysmorphic facies and autism. Identifiers: MedGen C5193106, MONDO:0032760, OMIM 618454.

Submission:

3billion
Classification: Uncertain significance for Developmental delay with or without dysmorphic facies and autism. Last evaluated: 2023-02-23. Review status: criteria provided, single submitter. Criteria: ACMG Guidelines, 2015. Collection method: clinical testing. Allele origin: unknown. Affected: yes.
Comment: The variant is not observed in the gnomAD v2.1.1 dataset. Missense changes are a common disease-causing mechanism. This variant is classified as VUS according to the recommendation of ACMG/AMP guideline.